The following is an entry in ClinVar:

NM_001378454.1(ALMS1):c.9823A>G (p.Lys3275Glu)

Gene: ALMS1 (ALMS1 centrosome and basal body associated protein; plus strand). Cytogenetic location: 2p13.1.
Variant type: single nucleotide variant.
Coding change: c.9823A>G on transcript NM_001378454.1 (MANE Select); coding-DNA position 9823, A replaced by G.
Protein change: p.Lys3275Glu; replaces lysine 3275 with glutamic acid.
Molecular consequence: missense variant.
Genome position (GRCh38, 1-based): chr2:73,534,865, A>G. VCF-style: chr2-73534865-A-G. GRCh37 (hg19) VCF-style: chr2-73761992-A-G.
Other names: c.9826A>G, p.Lys3276Glu (NM_015120.4); short protein forms K3275E, K3276E.
Identifiers: ClinVar variation 2041465 (VCV002041465.1), dbSNP rs779574582, ClinGen allele CA1714786.

ClinVar aggregate classification (germline): Uncertain significance (1 of 4 stars; one submission).

Conditions:
Alstrom syndrome (ALMS). Identifiers: Orphanet 64, MedGen C0268425, MONDO:0008763, OMIM 203800.

Allele frequency attached by ClinVar (database versions not stated): ExAC 0.00001; gnomAD exomes 0.00001; TOPMed 0.00002.
gnomAD v4.1: 7 of 1,613,660 alleles (0.00043%); highest among the groups gnomAD compares: Admixed American, 0.012%; no homozygotes.

Submission:

Labcorp Genetics (formerly Invitae), Labcorp
Classification: Uncertain significance for Alstrom syndrome. Last evaluated: 2022-09-01. Review status: criteria provided, single submitter. Criteria: Invitae Variant Classification Sherloc (09022015). Collection method: clinical testing. Allele origin: germline.
Comment: This sequence change replaces lysine with glutamic acid at codon 3276 of the ALMS1 protein (p.Lys3276Glu). The lysine residue is moderately conserved and there is a small physicochemical difference between lysine and glutamic acid. This variant is present in population databases (rs779574582, gnomAD 0.02%). This variant has not been reported in the literature in individuals affected with ALMS1-related conditions. Algorithms developed to predict the effect of missense changes on protein structure and function output the following: SIFT: "Not Available"; PolyPhen-2: "Not Available"; Align-GVGD: "Not Available". The glutamic acid amino acid residue is found in multiple mammalian species, which suggests that this missense change does not adversely affect protein function. In summary, the available evidence is currently insufficient to determine the role of this variant in disease. Therefore, it has been classified as a Variant of Uncertain Significance.